The following is an entry in ClinVar:

ClinVar aggregate classification (germline): Uncertain significance (1 of 4 stars; one submission).

Conditions:
Fanconi anemia (FA). Also called: Fanconi's anemia. Identifiers: Orphanet 84, MedGen C0015625, MeSH D005199, MONDO:0019391.

Submission:

Labcorp Genetics (formerly Invitae), Labcorp
Classification: Uncertain significance for Fanconi anemia. Last evaluated: 2021-05-08. Review status: criteria provided, single submitter. Criteria: Invitae Variant Classification Sherloc (09022015). Collection method: clinical testing. Allele origin: germline.
Comment: This sequence change replaces histidine with arginine at codon 241 of the FANCB protein (p.His241Arg). The histidine residue is moderately conserved and there is a small physicochemical difference between histidine and arginine. In summary, the available evidence is currently insufficient to determine the role of this variant in disease. Therefore, it has been classified as a Variant of Uncertain Significance. Algorithms developed to predict the effect of missense changes on protein structure and function output the following: SIFT: "Tolerated"; PolyPhen-2: "Benign"; Align-GVGD: "Class C0". The arginine amino acid residue is found in multiple mammalian species, suggesting that this missense change does not adversely affect protein function. These predictions have not been confirmed by published functional studies and their clinical significance is uncertain. This variant has not been reported in the literature in individuals with FANCB-related conditions. This variant is not present in population databases (ExAC no frequency).

NM_001018113.3(FANCB):c.722A>G (p.His241Arg)

Gene: FANCB (FA complementation group B; minus strand). Cytogenetic location: Xp22.2.
Variant type: single nucleotide variant.
Coding change: c.722A>G on transcript NM_001018113.3 (MANE Select); coding-DNA position 722, A replaced by G.
Protein change: p.His241Arg; replaces histidine 241 with arginine.
Molecular consequence: missense variant.
Genome position (GRCh38, 1-based): chrX:14,864,789, T>C on the plus strand (A>G on the coding strand, the complement: FANCB is on the minus strand). VCF-style: chrX-14864789-T-C. GRCh37 (hg19) VCF-style: chrX-14882911-T-C.
Other names: c.722A>G, p.His241Arg (NM_001324162.2, NM_152633.4); short protein forms H241R.
Identifiers: ClinVar variation 1408973 (VCV001408973.8), dbSNP rs2147445804, ClinGen allele CA412443856.